The following is an entry in ClinVar:

NM_002181.4(IHH):c.91G>T (p.Gly31Cys)

Gene: IHH (Indian hedgehog signaling molecule; minus strand). Cytogenetic location: 2q35.
Variant type: single nucleotide variant.
Coding change: c.91G>T on transcript NM_002181.4 (MANE Select); coding-DNA position 91, G replaced by T.
Protein change: p.Gly31Cys; replaces glycine 31 with cysteine.
Molecular consequence: missense variant.
Genome position (GRCh38, 1-based): chr2:219,060,377, C>A on the plus strand (G>T on the coding strand, the complement: IHH is on the minus strand). VCF-style: chr2-219060377-C-A. GRCh37 (hg19) VCF-style: chr2-219925099-C-A.
Other names: short protein forms G31C.
Identifiers: ClinVar variation 4771314 (VCV004771314.1).

ClinVar aggregate classification (germline): Uncertain significance (1 of 4 stars; one submission).

Submission:

Labcorp Genetics (formerly Invitae), Labcorp
Classification: Uncertain significance. Last evaluated: 2025-04-07. Review status: criteria provided, single submitter. Criteria: Invitae Variant Classification Sherloc (09022015). Collection method: clinical testing. Allele origin: germline.
Comment: This sequence change replaces glycine, which is neutral and non-polar, with cysteine, which is neutral and slightly polar, at codon 31 of the IHH protein (p.Gly31Cys). This variant is not present in population databases (gnomAD no frequency). This variant has not been reported in the literature in individuals affected with IHH-related conditions. Invitae Evidence Modeling of protein sequence and biophysical properties (such as structural, functional, and spatial information, amino acid conservation, physicochemical variation, residue mobility, and thermodynamic stability) indicates that this missense variant is expected to disrupt IHH protein function with a positive predictive value of 80%. In summary, the available evidence is currently insufficient to determine the role of this variant in disease. Therefore, it has been classified as a Variant of Uncertain Significance.